The following is an entry in ClinVar:

NM_054027.6(ANKH):c.327A>C (p.Leu109Phe)

Gene: ANKH (ANKH inorganic pyrophosphate transport regulator; minus strand). Cytogenetic location: 5p15.2.
Variant type: single nucleotide variant.
Coding change: c.327A>C on transcript NM_054027.6 (MANE Select); coding-DNA position 327, A replaced by C.
Protein change: p.Leu109Phe; replaces leucine 109 with phenylalanine.
Molecular consequence: missense variant.
Genome position (GRCh38, 1-based): chr5:14,758,585, T>G on the plus strand (A>C on the coding strand, the complement: ANKH is on the minus strand). VCF-style: chr5-14758585-T-G. GRCh37 (hg19) VCF-style: chr5-14758694-T-G.
Other names: short protein forms L109F.
Identifiers: ClinVar variation 2982895 (VCV002982895.4), dbSNP rs113374603, ClinGen allele CA114741848.

ClinVar aggregate classification (germline): Uncertain significance. Review status: criteria provided, multiple submitters, no conflicts (2 of 4 stars). 2 submissions from 2 submitters: Uncertain significance (2). Last evaluated 2026-03-17.

Allele frequency attached by ClinVar (database versions not stated): gnomAD 0.00003; TOPMed 0.00003.
gnomAD v4.1: 16 of 1,609,358 alleles (0.00099%); highest among the groups gnomAD compares: East Asian, 0.016%; no homozygotes.

Submissions (2):

Women's Health and Genetics/Laboratory Corporation of America, LabCorp
Classification: Uncertain significance. Last evaluated: 2026-03-17. Review status: criteria provided, single submitter. Criteria: LabCorp Variant Classification Summary - May 2015. Collection method: clinical testing. Allele origin: germline.
Comment: Variant summary: ANKH c.327A>C (p.Leu109Phe) results in a non-conservative amino acid change in the encoded protein sequence. Algorithms developed to predict the effect of missense changes on protein structure and function all suggest that this variant is likely to be disruptive. The variant was absent in 251434 control chromosomes. The available data on variant occurrences in the general population are insufficient to allow any conclusion about variant significance. To our knowledge, no occurrence of c.327A>C in individuals affected with ANKH-related conditions and no experimental evidence demonstrating its impact on protein function have been reported. ClinVar contains an entry for this variant (Variation ID: 2982895). Based on the evidence outlined above, the variant was classified as uncertain significance.

Labcorp Genetics (formerly Invitae), Labcorp
Classification: Uncertain significance. Last evaluated: 2022-11-30. Review status: criteria provided, single submitter. Criteria: Invitae Variant Classification Sherloc (09022015). Collection method: clinical testing. Allele origin: germline.
Comment: Advanced modeling of protein sequence and biophysical properties (such as structural, functional, and spatial information, amino acid conservation, physicochemical variation, residue mobility, and thermodynamic stability) performed at Invitae indicates that this missense variant is not expected to disrupt ANKH protein function. In summary, the available evidence is currently insufficient to determine the role of this variant in disease. Therefore, it has been classified as a Variant of Uncertain Significance. This variant is present in population databases (no rsID available, gnomAD 0.02%). This variant has not been reported in the literature in individuals affected with ANKH-related conditions. This sequence change replaces leucine, which is neutral and non-polar, with phenylalanine, which is neutral and non-polar, at codon 109 of the ANKH protein (p.Leu109Phe).